The following is an entry in ClinVar:

ClinVar aggregate classification (germline): Uncertain significance. Review status: criteria provided, multiple submitters, no conflicts (2 of 4 stars). 3 submissions from 3 submitters: Uncertain significance (2). 1 of the submissions does not count toward it. Last evaluated 2025-10-22.

Conditions:
Charcot-Marie-Tooth disease type 4. Also called: Charcot-Marie-Tooth disease, type IV; Charcot-Marie-Tooth, Type 4. Identifiers: Orphanet 64749, MedGen C4082197, MONDO:0018995.
Inborn genetic diseases. Identifiers: MedGen C0950123, MeSH D030342.
Charcot-Marie-Tooth disease type 4D. Also called: CHARCOT-MARIE-TOOTH DISEASE, DEMYELINATING, TYPE 4D; NEUROPATHY, HEREDITARY MOTOR AND SENSORY, LOM TYPE; CHARCOT-MARIE-TOOTH DISEASE, DEMYELINATING, AUTOSOMAL RECESSIVE, TYPE 4D; Charcot-Marie-Tooth Neuropathy Type 4D. Identifiers: Orphanet 99950, MedGen C1832334, MONDO:0011085, OMIM 601455.

Allele frequency attached by ClinVar (database versions not stated): gnomAD exomes below 0.00001.
gnomAD v4.1: 2 of 1,614,138 alleles (0.00012%); highest among the groups gnomAD compares: Non-Finnish European, 0.00017%; no homozygotes.

Submissions (3):

Ambry Genetics
Classification: Uncertain significance for Inborn genetic diseases. Last evaluated: 2025-10-22. Review status: criteria provided, single submitter. Criteria: Ambry Variant Classification Scheme 2023. Collection method: clinical testing. Allele origin: germline.

Labcorp Genetics (formerly Invitae), Labcorp
Classification: Uncertain significance for Charcot-Marie-Tooth disease type 4. Last evaluated: 2021-08-31. Review status: criteria provided, single submitter. Criteria: Invitae Variant Classification Sherloc (09022015). Collection method: clinical testing. Allele origin: germline.
Comment: This sequence change replaces glutamine with proline at codon 87 of the NDRG1 protein (p.Gln87Pro). The glutamine residue is moderately conserved and there is a moderate physicochemical difference between glutamine and proline. This variant is not present in population databases (ExAC no frequency). This variant has not been reported in the literature in individuals affected with NDRG1-related conditions. Algorithms developed to predict the effect of missense changes on protein structure and function are either unavailable or do not agree on the potential impact of this missense change (SIFT: "Deleterious"; PolyPhen-2: "Probably Damaging"; Align-GVGD: "Class C0"). In summary, the available evidence is currently insufficient to determine the role of this variant in disease. Therefore, it has been classified as a Variant of Uncertain Significance.

Natera, Inc.
Classification: Uncertain significance for Charcot-Marie-Tooth disease type 4D. Last evaluated: 2025-02-09. Review status: no assertion criteria provided. Collection method: clinical testing. Allele origin: germline. Not counted in ClinVar's aggregate classification.

NM_006096.4(NDRG1):c.260A>C (p.Gln87Pro)

Gene: NDRG1 (N-myc downstream regulated 1; minus strand). Cytogenetic location: 8q24.22.
Variant type: single nucleotide variant.
Coding change: c.260A>C on transcript NM_006096.4 (MANE Select); coding-DNA position 260, A replaced by C.
Protein change: p.Gln87Pro; replaces glutamine 87 with proline.
Molecular consequence: missense variant.
Genome position (GRCh38, 1-based): chr8:133,262,113, T>G on the plus strand (A>C on the coding strand, the complement: NDRG1 is on the minus strand). VCF-style: chr8-133262113-T-G. GRCh37 (hg19) VCF-style: chr8-134274356-T-G.
Other names: c.260A>C, p.Gln87Pro (NM_001135242.2, NM_001374844.1, NM_001374845.1 and 1 more transcripts); c.62A>C, p.Gln21Pro (NM_001258432.2, NM_001374847.1); c.17A>C, p.Gln6Pro (NM_001258433.2); c.260A>C (NM_006096.3); short protein forms Q21P, Q6P, Q87P.
Identifiers: ClinVar variation 1061864 (VCV001061864.4), dbSNP rs1350908820, ClinGen allele CA372256277.